The following is an entry in ClinVar:

ClinVar aggregate classification (germline): Uncertain significance (1 of 4 stars; one submission).

gnomAD v4.1: 1 of 1,592,166 alleles (0.000063%); no homozygotes.

Submission:

GeneDx
Classification: Uncertain significance. Last evaluated: 2024-11-15. Review status: criteria provided, single submitter. Criteria: GeneDx Variant Classification Process June 2021. Collection method: clinical testing. Allele origin: germline. Affected: yes.
Comment: Not observed at significant frequency in large population cohorts (gnomAD); In silico analysis supports that this missense variant has a deleterious effect on protein structure/function; Has not been previously published as pathogenic or benign to our knowledge

NM_000540.3(RYR1):c.2810A>T (p.His937Leu)

Gene: RYR1 (ryanodine receptor 1; plus strand). Cytogenetic location: 19q13.2.
Variant type: single nucleotide variant.
Coding change: c.2810A>T on transcript NM_000540.3 (MANE Select); coding-DNA position 2810, A replaced by T.
Protein change: p.His937Leu; replaces histidine 937 with leucine.
Molecular consequence: missense variant.
Genome position (GRCh38, 1-based): chr19:38,464,662, A>T. VCF-style: chr19-38464662-A-T. GRCh37 (hg19) VCF-style: chr19-38955302-A-T.
Other names: c.2810A>T, p.His937Leu (NM_001042723.2); short protein forms H937L.
Identifiers: ClinVar variation 3899769 (VCV003899769.1).
Genomic context (GRCh38, chr19:38,464,662, plus strand): 5'-GGGGCGTGACCTGTCGCCTCCACTCCCCCACCCCCAGGACTCTGCTGGCTCTGGGCTGCC[A>T]CGTGGGCATGGCGGATGAGAAGGCGGAGGACAACCTGAAGAAGACAAAACTCCCCAAGAC-3'
Protein context (NP_000531.2, residues 927-947): TLKTLLALGC[His937Leu]VGMADEKAED